The following is an entry in ClinVar:

ClinVar aggregate classification (germline): Likely benign (1 of 4 stars; one submission).

Conditions:
DLC1-related disorder. Also called: DLC1-related condition.

gnomAD v4.1: 33 of 1,613,254 alleles (0.002%); highest among the groups gnomAD compares: South Asian, 0.02%; 2 homozygotes.

Submission:

PreventionGenetics, part of Exact Sciences
Classification: Likely benign for DLC1-related condition. Last evaluated: 2026-04-27. Review status: criteria provided, single submitter. Criteria: ACMG Guidelines, 2015. Collection method: clinical testing. Allele origin: germline.
Comment: This variant is classified as likely benign based on ACMG/AMP sequence variant interpretation guidelines (Richards et al. 2015 PMID: 25741868, with internal and published modifications).

NM_182643.3(DLC1):c.2280G>A (p.Thr760=)

Gene: DLC1 (DLC1 Rho GTPase activating protein; minus strand). Cytogenetic location: 8p22.
Variant type: single nucleotide variant.
Coding change: c.2280G>A on transcript NM_182643.3 (MANE Select); coding-DNA position 2280, G replaced by A.
Protein change: p.Thr760=; no amino-acid change (threonine 760 retained).
Molecular consequence: synonymous variant.
Genome position (GRCh38, 1-based): chr8:13,100,057, C>T on the plus strand (G>A on the coding strand, the complement: DLC1 is on the minus strand). VCF-style: chr8-13100057-C-T. GRCh37 (hg19) VCF-style: chr8-12957566-C-T.
Other names: c.747G>A, p.Thr249= (NM_001164271.2, NM_001348082.2, NM_001348083.1 and 6 more transcripts); c.1071G>A, p.Thr357= (NM_001316668.2, NM_001413129.1); c.2280G>A, p.Thr760= (NM_001348081.2, NM_001413124.1); c.1062G>A, p.Thr354= (NM_001413130.1); c.720G>A, p.Thr240= (NM_001413131.1, NM_001413137.1); c.1206G>A, p.Thr402= (NM_001413132.1); c.969G>A, p.Thr323= (NM_001413135.1, NM_001413136.1, NM_001413139.1 and 1 more transcripts); c.1104G>A, p.Thr368= (NM_001413140.1).
Identifiers: ClinVar variation 4977213 (VCV004977213.1).